The following is an entry in ClinVar:

ClinVar aggregate classification (germline): Uncertain significance. Review status: criteria provided, multiple submitters, no conflicts (2 of 4 stars). 2 submissions from 2 submitters: Uncertain significance (2). Last evaluated 2025-08-04.

Conditions:
Inborn genetic diseases. Identifiers: MedGen C0950123, MeSH D030342.

Allele frequency attached by ClinVar (database versions not stated): gnomAD exomes below 0.00001; ESP Exome Variant Server 0.00008; gnomAD 0.00008; TOPMed 0.00008.
gnomAD v4.1: 18 of 1,603,548 alleles (0.0011%); highest among the groups gnomAD compares: African/African-American, 0.024%; no homozygotes.

Submissions (2):

Ambry Genetics
Classification: Uncertain significance for Inborn genetic diseases. Last evaluated: 2025-08-04. Review status: criteria provided, single submitter. Criteria: Ambry Variant Classification Scheme 2023. Collection method: clinical testing. Allele origin: germline.

Labcorp Genetics (formerly Invitae), Labcorp
Classification: Uncertain significance. Last evaluated: 2023-01-23. Review status: criteria provided, single submitter. Criteria: Invitae Variant Classification Sherloc (09022015). Collection method: clinical testing. Allele origin: germline.
Comment: In summary, the available evidence is currently insufficient to determine the role of this variant in disease. Therefore, it has been classified as a Variant of Uncertain Significance. Algorithms developed to predict the effect of missense changes on protein structure and function are either unavailable or do not agree on the potential impact of this missense change (SIFT: "Deleterious"; PolyPhen-2: "Probably Damaging"; Align-GVGD: "Class C0"). This variant has not been reported in the literature in individuals affected with OTOGL-related conditions. This variant is present in population databases (rs368127087, gnomAD 0.03%). This sequence change replaces tyrosine, which is neutral and polar, with cysteine, which is neutral and slightly polar, at codon 1821 of the OTOGL protein (p.Tyr1821Cys).

NM_001378609.3(OTOGL):c.5489A>G (p.Tyr1830Cys)

Gene: OTOGL (otogelin like; plus strand). Cytogenetic location: 12q21.31.
Variant type: single nucleotide variant.
Coding change: c.5489A>G on transcript NM_001378609.3 (MANE Select); coding-DNA position 5489, A replaced by G.
Protein change: p.Tyr1830Cys; replaces tyrosine 1830 with cysteine.
Molecular consequence: missense variant.
Genome position (GRCh38, 1-based): chr12:80,353,406, A>G. VCF-style: chr12-80353406-A-G. GRCh37 (hg19) VCF-style: chr12-80747186-A-G.
Other names: c.5354A>G, p.Tyr1785Cys (NM_001368062.3); c.5489A>G, p.Tyr1830Cys (NM_001378610.3, NM_173591.7); c.5462A>G (NM_173591.3); short protein forms Y1785C, Y1830C.
Identifiers: ClinVar variation 2903131 (VCV002903131.2), dbSNP rs368127087, ClinGen allele CA240236084.